The following is an entry in ClinVar:

NM_032043.3(BRIP1):c.1892T>G (p.Phe631Cys)

Gene: BRIP1 (BRCA1 interacting DNA helicase 1; minus strand). Cytogenetic location: 17q23.2.
Variant type: single nucleotide variant.
Coding change: c.1892T>G on transcript NM_032043.3 (MANE Select); coding-DNA position 1892, T replaced by G.
Protein change: p.Phe631Cys; replaces phenylalanine 631 with cysteine.
Molecular consequence: missense variant.
Genome position (GRCh38, 1-based): chr17:61,780,304, A>C on the plus strand (T>G on the coding strand, the complement: BRIP1 is on the minus strand). VCF-style: chr17-61780304-A-C. GRCh37 (hg19) VCF-style: chr17-59857665-A-C.
Other names: short protein forms F631C.
Identifiers: ClinVar variation 820293 (VCV000820293.4), dbSNP rs1603333110, ClinGen allele CA400479318.

ClinVar aggregate classification (germline): Uncertain significance (1 of 4 stars; one submission).

Conditions:
Hereditary cancer-predisposing syndrome. Also called: Neoplastic Syndromes, Hereditary; Tumor predisposition; Hereditary Cancer Syndrome; Hereditary neoplastic syndrome. Identifiers: Orphanet 140162, MedGen C0027672, MeSH D009386, MONDO:0015356.

Submission:

Ambry Genetics
Classification: Uncertain significance for Hereditary cancer-predisposing syndrome. Last evaluated: 2018-03-22. Review status: criteria provided, single submitter. Criteria: Ambry Variant Classification Scheme 2023. Collection method: clinical testing. Allele origin: germline.
Comment: The p.F631C variant (also known as c.1892T>G), located in coding exon 12 of the BRIP1 gene, results from a T to G substitution at nucleotide position 1892. The phenylalanine at codon 631 is replaced by cysteine, an amino acid with highly dissimilar properties. This amino acid position is highly conserved in available vertebrate species. In addition, this alteration is predicted to be deleterious by in silico analysis. Since supporting evidence is limited at this time, the clinical significance of this alteration remains unclear.